The following is an entry in ClinVar:

ClinVar aggregate classification (germline): Uncertain significance. Review status: criteria provided, multiple submitters, no conflicts (2 of 4 stars). 3 submissions from 3 submitters: Uncertain significance (3). Last evaluated 2025-05-28.

Conditions:
DICER1-related tumor predisposition. Also called: DICER1 syndrome; DICER1-related pleuropulmonary blastoma cancer predisposition syndrome. Identifiers: Orphanet 284343, MedGen C3839822, MONDO:0100216.
Hereditary cancer-predisposing syndrome. Also called: Neoplastic Syndromes, Hereditary; Hereditary neoplastic syndrome; Hereditary Cancer Syndrome; Tumor predisposition. Identifiers: Orphanet 140162, MedGen C0027672, MeSH D009386, MONDO:0015356.

Allele frequency attached by ClinVar (database versions not stated): gnomAD exomes below 0.00001; TOPMed below 0.00001; ExAC 0.00001; gnomAD 0.00001.

Submissions (3):

Ambry Genetics
Classification: Uncertain significance for Hereditary cancer-predisposing syndrome. Last evaluated: 2025-05-28. Review status: criteria provided, single submitter. Criteria: Ambry Variant Classification Scheme 2023. Collection method: clinical testing. Allele origin: germline.
Comment: The p.A131V variant (also known as c.392C>T), located in coding exon 3 of the DICER1 gene, results from a C to T substitution at nucleotide position 392. The alanine at codon 131 is replaced by valine, an amino acid with similar properties. This amino acid position is not well conserved in available vertebrate species. In addition, this alteration is predicted to be tolerated by in silico analysis. Based on the available evidence, the clinical significance of this variant remains unclear.

Center for Genomic Medicine, Rigshospitalet, Copenhagen University Hospital
Classification: Uncertain significance. Last evaluated: 2025-03-04. Review status: criteria provided, single submitter. Criteria: ACMG Guidelines, 2015. Collection method: clinical testing. Allele origin: germline.

Labcorp Genetics (formerly Invitae), Labcorp
Classification: Uncertain significance for DICER1-related tumor predisposition. Last evaluated: 2024-04-22. Review status: criteria provided, single submitter. Criteria: Invitae Variant Classification Sherloc (09022015). Collection method: clinical testing. Allele origin: germline.
Comment: This sequence change replaces alanine, which is neutral and non-polar, with valine, which is neutral and non-polar, at codon 131 of the DICER1 protein (p.Ala131Val). This variant is present in population databases (rs774138190, gnomAD 0.0009%). This variant has not been reported in the literature in individuals affected with DICER1-related conditions. ClinVar contains an entry for this variant (Variation ID: 656146). Advanced modeling of protein sequence and biophysical properties (such as structural, functional, and spatial information, amino acid conservation, physicochemical variation, residue mobility, and thermodynamic stability) performed at Invitae indicates that this missense variant is not expected to disrupt DICER1 protein function with a negative predictive value of 80%. Algorithms developed to predict the effect of sequence changes on RNA splicing suggest that this variant may disrupt the consensus splice site. In summary, the available evidence is currently insufficient to determine the role of this variant in disease. Therefore, it has been classified as a Variant of Uncertain Significance.

NM_177438.3(DICER1):c.392C>T (p.Ala131Val)

Gene: DICER1 (dicer 1, ribonuclease III; minus strand). Cytogenetic location: 14q32.13.
Variant type: single nucleotide variant.
Coding change: c.392C>T on transcript NM_177438.3 (MANE Select); coding-DNA position 392, C replaced by T.
Protein change: p.Ala131Val; replaces alanine 131 with valine.
Molecular consequence: missense variant.
Genome position (GRCh38, 1-based): chr14:95,131,555, G>A on the plus strand (C>T on the coding strand, the complement: DICER1 is on the minus strand). VCF-style: chr14-95131555-G-A. GRCh37 (hg19) VCF-style: chr14-95597892-G-A.
Other names: c.392C>T, p.Ala131Val (NM_001195573.1, NM_001271282.3, NM_001291628.2 and 1 more transcripts); short protein forms A131V.
Identifiers: ClinVar variation 656146 (VCV000656146.17), dbSNP rs774138190, ClinGen allele CA7331678.
Genomic context (GRCh38, chr14:95,131,555, plus strand): 5'-TCTACAAGTCTTACCTGGTGCTTAGTAAACTCTTGGTTCCATCTCTCTTTTGTCCAAGAT[G>A]CATTTACTTCTAGGTTTGAGTATTCCCCAACCTTGAGATCTGAATGAGTTCTGACAGCTG-3'
Protein context (NP_803187.1, residues 121-141): VGEYSNLEVN[Ala131Val]SWTKERWNQE